The following is an entry in ClinVar:

ClinVar aggregate classification (germline): Pathogenic (1 of 4 stars; one submission).

Submission:

Labcorp Genetics (formerly Invitae), Labcorp
Classification: Pathogenic. Last evaluated: 2024-08-13. Review status: criteria provided, single submitter. Criteria: Invitae Variant Classification Sherloc (09022015). Collection method: clinical testing. Allele origin: germline.
Comment: This sequence change creates a premature translational stop signal (p.Lys380Glnfs*45) in the SERPING1 gene. While this is not anticipated to result in nonsense mediated decay, it is expected to disrupt the last 121 amino acid(s) of the SERPING1 protein. This variant is not present in population databases (gnomAD no frequency). This variant has not been reported in the literature in individuals affected with SERPING1-related conditions. This variant disrupts a region of the SERPING1 protein in which other variant(s) (p.Arg494*) have been determined to be pathogenic (PMID: 8755917, 30508583, 32065705). This suggests that this is a clinically significant region of the protein, and that variants that disrupt it are likely to be disease-causing. For these reasons, this variant has been classified as Pathogenic.

Literature cited by the submitters: PubMed 8755917; PubMed 30508583; PubMed 32065705.

NM_000062.3(SERPING1):c.1133_1134insA (p.Lys380fs)

Gene: SERPING1 (serpin family G member 1; plus strand). Cytogenetic location: 11q12.1.
Variant type: Insertion.
Coding change: c.1133_1134insA on transcript NM_000062.3 (MANE Select); coding-DNA positions 1133 to 1134, A inserted.
Protein change: p.Lys380fs; shifts the reading frame from lysine 380.
Molecular consequence: frameshift variant.
Genome position: GRCh38 VCF-style: chr11-57611820-T-TA. GRCh37 (hg19) VCF-style: chr11-57379293-T-TA.
Other names: c.1133_1134insA, p.Lys380fs (NM_001032295.2); short protein forms K380fs.
Identifiers: ClinVar variation 2862524 (VCV002862524.3), dbSNP rs2495452515, ClinGen allele CA2739270449.